The following is an entry in ClinVar:

ClinVar aggregate classification (germline): Uncertain significance (1 of 4 stars; one submission).

Submission:

Labcorp Genetics (formerly Invitae), Labcorp
Classification: Uncertain significance. Last evaluated: 2024-12-31. Review status: criteria provided, single submitter. Criteria: Invitae Variant Classification Sherloc (09022015). Collection method: clinical testing. Allele origin: germline.
Comment: This sequence change replaces asparagine, which is neutral and polar, with aspartic acid, which is acidic and polar, at codon 912 of the PHF8 protein (p.Asn912Asp). This variant is not present in population databases (gnomAD no frequency). This variant has not been reported in the literature in individuals affected with PHF8-related conditions. An algorithm developed to predict the effect of missense changes on protein structure and function (PolyPhen-2) suggests that this variant is likely to be tolerated. In summary, the available evidence is currently insufficient to determine the role of this variant in disease. Therefore, it has been classified as a Variant of Uncertain Significance.

NM_015107.3(PHF8):c.2734A>G (p.Asn912Asp)

Gene: PHF8 (PHD finger protein 8; minus strand). Cytogenetic location: Xp11.22.
Variant type: single nucleotide variant.
Coding change: c.2734A>G on transcript NM_015107.3 (MANE Select); coding-DNA position 2734, A replaced by G.
Protein change: p.Asn912Asp; replaces asparagine 912 with aspartic acid.
Molecular consequence: missense variant.
Genome position (GRCh38, 1-based): chrX:53,940,432, T>C on the plus strand (A>G on the coding strand, the complement: PHF8 is on the minus strand). VCF-style: chrX-53940432-T-C. GRCh37 (hg19) VCF-style: chrX-53966865-T-C.
Other names: c.2842A>G, p.Asn948Asp (NM_001184896.1); c.2431A>G, p.Asn811Asp (NM_001184897.2); short protein forms N811D, N912D, N948D.
Identifiers: ClinVar variation 3722880 (VCV003722880.2).